The following is an entry in ClinVar:

NM_001017420.3(ESCO2):c.955+1G>A

Gene: ESCO2 (establishment of sister chromatid cohesion N-acetyltransferase 2; plus strand). Cytogenetic location: 8p21.1.
Variant type: single nucleotide variant.
Coding change: c.955+1G>A on transcript NM_001017420.3 (MANE Select); the canonical splice donor site of the intron after coding-DNA position 955, G replaced by A.
Molecular consequence: splice donor variant.
Genome position (GRCh38, 1-based): chr8:27,780,268, G>A. VCF-style: chr8-27780268-G-A. GRCh37 (hg19) VCF-style: chr8-27637785-G-A.
Identifiers: ClinVar variation 2807638 (VCV002807638.3), dbSNP rs1276808934, ClinGen allele CA370821569.
Genomic context (GRCh38, chr8:27,780,268, plus strand): 5'-ATAAAGTTGATAAAAATGAGGCTTTTTCTTCAGAGGATTCTCTTGGTGAGAATAAGACAA[G>A]TAAGAGAAAACTCGCATGAATTTAGCTGCTTAAAATAATGCTTTATTACATACATTATAC-3'

ClinVar aggregate classification (germline): Likely pathogenic (1 of 4 stars; one submission).

Allele frequency attached by ClinVar (database versions not stated): gnomAD exomes below 0.00001.
gnomAD v4.1: 1 of 1,581,662 alleles (0.000063%); highest among the groups gnomAD compares: East Asian, 0.0022%; no homozygotes.

Submission:

Labcorp Genetics (formerly Invitae), Labcorp
Classification: Likely pathogenic. Last evaluated: 2023-11-06. Review status: criteria provided, single submitter. Criteria: Invitae Variant Classification Sherloc (09022015). Collection method: clinical testing. Allele origin: germline.
Comment: This sequence change affects a donor splice site in intron 4 of the ESCO2 gene. It is expected to disrupt RNA splicing. Variants that disrupt the donor or acceptor splice site typically lead to a loss of protein function (PMID: 16199547), and loss-of-function variants in ESCO2 are known to be pathogenic (PMID: 15821733, 16380922). This variant is present in population databases (no rsID available, gnomAD 0.006%). This variant has not been reported in the literature in individuals affected with ESCO2-related conditions. Algorithms developed to predict the effect of sequence changes on RNA splicing suggest that this variant may disrupt the consensus splice site. In summary, the currently available evidence indicates that the variant is pathogenic, but additional data are needed to prove that conclusively. Therefore, this variant has been classified as Likely Pathogenic.

Literature cited by the submitters: PubMed 16199547; PubMed 15821733; PubMed 16380922.